The following is an entry in ClinVar:

NM_000384.3(APOB):c.9359A>G (p.Glu3120Gly)

Gene: APOB (apolipoprotein B; minus strand). Cytogenetic location: 2p24.1.
Variant type: single nucleotide variant.
Coding change: c.9359A>G on transcript NM_000384.3 (MANE Select); coding-DNA position 9359, A replaced by G.
Protein change: p.Glu3120Gly; replaces glutamic acid 3120 with glycine.
Molecular consequence: missense variant.
Genome position (GRCh38, 1-based): chr2:21,007,509, T>C on the plus strand (A>G on the coding strand, the complement: APOB is on the minus strand). VCF-style: chr2-21007509-T-C. GRCh37 (hg19) VCF-style: chr2-21230381-T-C.
Other names: short protein forms E3120G.
Identifiers: ClinVar variation 3127925 (VCV003127925.2), dbSNP rs2465363286, ClinGen allele CA345990470.

ClinVar aggregate classification (germline): Uncertain significance (1 of 4 stars; one submission).

Conditions:
Cardiovascular phenotype. Identifiers: MedGen CN230736.

Submission:

Ambry Genetics
Classification: Uncertain significance for Cardiovascular phenotype. Last evaluated: 2026-09-11. Review status: criteria provided, single submitter. Criteria: Ambry Variant Classification Scheme 2023. Collection method: clinical testing. Allele origin: germline.
Comment: The p.E3120G variant (also known as c.9359A>G), located in coding exon 26 of the APOB gene, results from an A to G substitution at nucleotide position 9359. The glutamic acid at codon 3120 is replaced by glycine, an amino acid with similar properties. This amino acid position is conserved. In addition, this alteration is predicted to be tolerated by in silico analysis. Based on the available evidence, the clinical significance of this variant remains unclear.